The following is an entry in ClinVar:

NM_000038.6(APC):c.3745T>G (p.Cys1249Gly)

Gene: APC (APC regulator of Wnt signaling pathway; plus strand). Cytogenetic location: 5q22.2.
Variant type: single nucleotide variant.
Coding change: c.3745T>G on transcript NM_000038.6 (MANE Select); coding-DNA position 3745, T replaced by G.
Protein change: p.Cys1249Gly; replaces cysteine 1249 with glycine.
Molecular consequence: missense variant.
Genome position (GRCh38, 1-based): chr5:112,839,339, T>G. VCF-style: chr5-112839339-T-G. GRCh37 (hg19) VCF-style: chr5-112175036-T-G.
Other names: c.3745T>G, p.Cys1249Gly (NM_001127510.3, NM_001354895.2); c.3691T>G, p.Cys1231Gly (NM_001127511.3); c.3799T>G, p.Cys1267Gly (NM_001354896.2); c.3775T>G, p.Cys1259Gly (NM_001354897.2); c.3670T>G, p.Cys1224Gly (NM_001354898.2); c.3661T>G, p.Cys1221Gly (NM_001354899.2); c.3622T>G, p.Cys1208Gly (NM_001354900.2); c.3568T>G, p.Cys1190Gly (NM_001354901.2); and 5 more; short protein forms C1089G, C1123G, C1148G, C1158G, C1190G, C1208G, C1221G, C1224G.
Identifiers: ClinVar variation 1315648 (VCV001315648.4), dbSNP rs1417740204, ClinGen allele CA16029549.

ClinVar aggregate classification (germline): Uncertain significance. Review status: criteria provided, multiple submitters, no conflicts (2 of 4 stars). 2 submissions from 2 submitters: Uncertain significance (2). Last evaluated 2024-04-25.

Conditions:
Familial adenomatous polyposis 1 (FAP1). Also called: POLYPOSIS, ADENOMATOUS INTESTINAL; FAMILIAL ADENOMATOUS POLYPOSIS 1, ATTENUATED. Identifiers: MedGen C2713442, MONDO:0021056, OMIM 175100. Disease mechanism: loss of function.

Submissions (2):

Labcorp Genetics (formerly Invitae), Labcorp
Classification: Uncertain significance for Familial adenomatous polyposis 1. Last evaluated: 2024-04-25. Review status: criteria provided, single submitter. Criteria: Invitae Variant Classification Sherloc (09022015). Collection method: clinical testing. Allele origin: germline.
Comment: This sequence change replaces cysteine, which is neutral and slightly polar, with glycine, which is neutral and non-polar, at codon 1249 of the APC protein (p.Cys1249Gly). This variant is not present in population databases (gnomAD no frequency). This variant has not been reported in the literature in individuals affected with APC-related conditions. ClinVar contains an entry for this variant (Variation ID: 1315648). Advanced modeling of protein sequence and biophysical properties (such as structural, functional, and spatial information, amino acid conservation, physicochemical variation, residue mobility, and thermodynamic stability) performed at Invitae indicates that this missense variant is not expected to disrupt APC protein function with a negative predictive value of 95%. In summary, the available evidence is currently insufficient to determine the role of this variant in disease. Therefore, it has been classified as a Variant of Uncertain Significance.

GeneDx
Classification: Uncertain significance. Last evaluated: 2019-04-19. Review status: criteria provided, single submitter. Criteria: GeneDx Variant Classification Process June 2021. Collection method: clinical testing. Allele origin: germline. Affected: yes.
Comment: Not observed in large population cohorts (Lek et al., 2016)